The following is an entry in ClinVar:

ClinVar aggregate classification (germline): Pathogenic (1 of 4 stars; one submission).

Conditions:
Gorlin syndrome. Also called: Basal cell nevus syndrome; Nevoid Basal Cell Carcinoma Syndrome. Identifiers: Orphanet 377, MedGen C0004779, MONDO:0007187.

Submission:

Labcorp Genetics (formerly Invitae), Labcorp
Classification: Pathogenic for Gorlin syndrome. Last evaluated: 2018-10-09. Review status: criteria provided, single submitter. Criteria: Invitae Variant Classification Sherloc (09022015). Collection method: clinical testing. Allele origin: germline.
Comment: This sequence change creates a premature translational stop signal (p.Tyr334*) in the PTCH1 gene. It is expected to result in an absent or disrupted protein product. This variant is not present in population databases (ExAC no frequency). This variant has not been reported in the literature in individuals with PTCH1-related disease. Loss-of-function variants in PTCH1 are known to be pathogenic (PMID: 16301862, 16419085). For these reasons, this variant has been classified as Pathogenic.

Literature cited by the submitters: PubMed 16301862; PubMed 16419085.

NM_000264.5(PTCH1):c.1002T>G (p.Tyr334Ter)

Gene: PTCH1 (patched 1; minus strand). Cytogenetic location: 9q22.32.
Variant type: single nucleotide variant.
Coding change: c.1002T>G on transcript NM_000264.5 (MANE Select); coding-DNA position 1002, T replaced by G.
Protein change: p.Tyr334Ter; replaces tyrosine 334 with a stop codon.
Molecular consequence: nonsense. On other transcripts: non-coding transcript variant (1).
Genome position (GRCh38, 1-based): chr9:95,480,034, A>C on the plus strand (T>G on the coding strand, the complement: PTCH1 is on the minus strand). VCF-style: chr9-95480034-A-C. GRCh37 (hg19) VCF-style: chr9-98242316-A-C.
Other names: c.804T>G, p.Tyr268Ter (NM_001083602.3); c.999T>G, p.Tyr333Ter (NM_001083603.3); c.549T>G, p.Tyr183Ter (NM_001083604.3, NM_001083605.3, NM_001083606.3 and 1 more transcripts); c.1002T>G, p.Tyr334Ter (NM_001354918.2); short protein forms Y183*, Y334*, Y268*, Y333*.
Identifiers: ClinVar variation 645694 (VCV000645694.7), dbSNP rs145867500, ClinGen allele CA374119698.